The following is an entry in ClinVar:

ClinVar aggregate classification (germline): Uncertain significance (1 of 4 stars; one submission).

Conditions:
Immunodeficiency 104. Also called: SCID, AUTOSOMAL RECESSIVE, T CELL-NEGATIVE, B CELL-POSITIVE, NK CELL-POSITIVE; Severe Combined Immune Deficiency, Autosomal Recessive, TCell -Negative, B Cell-Positive, NK Cell-Positive, IL7R-Related; Severe combined immunodeficiency, autosomal recessive, T cell-negative, B cell-positive, NK cell-positive; IMMUNODEFICIENCY 104, SEVERE COMBINED. Identifiers: MedGen C5676890, MONDO:0012163, OMIM 608971.

gnomAD v4.1: 8 of 1,614,040 alleles (0.0005%); highest among the groups gnomAD compares: Non-Finnish European, 0.00068%; no homozygotes.

Submission:

Labcorp Genetics (formerly Invitae), Labcorp
Classification: Uncertain significance for Immunodeficiency 104. Last evaluated: 2022-02-05. Review status: criteria provided, single submitter. Criteria: Invitae Variant Classification Sherloc (09022015). Collection method: clinical testing. Allele origin: germline.
Comment: This variant is not present in population databases (gnomAD no frequency). This variant has not been reported in the literature in individuals affected with IL7R-related conditions. ClinVar contains an entry for this variant (Variation ID: 574926). Advanced modeling of protein sequence and biophysical properties (such as structural, functional, and spatial information, amino acid conservation, physicochemical variation, residue mobility, and thermodynamic stability) performed at Invitae indicates that this missense variant is not expected to disrupt IL7R protein function. In summary, the available evidence is currently insufficient to determine the role of this variant in disease. Therefore, it has been classified as a Variant of Uncertain Significance. This sequence change replaces glycine, which is neutral and non-polar, with serine, which is neutral and polar, at codon 394 of the IL7R protein (p.Gly394Ser).

NM_002185.5(IL7R):c.1180G>A (p.Gly394Ser)

Gene: IL7R (interleukin 7 receptor; plus strand). Cytogenetic location: 5p13.2.
Variant type: single nucleotide variant.
Coding change: c.1180G>A on transcript NM_002185.5 (MANE Select); coding-DNA position 1180, G replaced by A.
Protein change: p.Gly394Ser; replaces glycine 394 with serine.
Molecular consequence: missense variant. On other transcripts: non-coding transcript variant (1).
Genome position (GRCh38, 1-based): chr5:35,876,286, G>A. VCF-style: chr5-35876286-G-A. GRCh37 (hg19) VCF-style: chr5-35876388-G-A.
Other names: short protein forms G394S.
Identifiers: ClinVar variation 574926 (VCV000574926.9), dbSNP rs1230012813, ClinGen allele CA359433648.
Genomic context (GRCh38, chr5:35,876,286, plus strand): 5'-GTCAGTGCATGTGACGCCCCTATTCTCTCCTCTTCCAGGTCCCTAGACTGCAGGGAGAGT[G>A]GCAAGAATGGGCCTCATGTGTACCAGGACCTCCTGCTTAGCCTTGGGACTACAAACAGCA-3'
Protein context (NP_002176.2, residues 384-404): SSRSLDCRES[Gly394Ser]KNGPHVYQDL